The following is an entry in ClinVar:

NM_001387430.1(SH2B1):c.833C>T (p.Pro278Leu)

Gene: SH2B1 (SH2B adaptor protein 1; plus strand). Cytogenetic location: 16p11.2.
Variant type: single nucleotide variant.
Coding change: c.833C>T on transcript NM_001387430.1 (MANE Select); coding-DNA position 833, C replaced by T.
Protein change: p.Pro278Leu; replaces proline 278 with leucine.
Molecular consequence: missense variant. On other transcripts: intron variant (1).
Genome position (GRCh38, 1-based): chr16:28,866,927, C>T. VCF-style: chr16-28866927-C-T. GRCh37 (hg19) VCF-style: chr16-28878248-C-T.
Other names: c.833C>T, p.Pro278Leu (NM_001145795.2, NM_001145796.2, NM_001145797.2 and 4 more transcripts); c.-26-447C>T (NM_001308294.2); short protein forms P278L.
Identifiers: ClinVar variation 4999628 (VCV004999628.1).
Genomic context (GRCh38, chr16:28,866,927, plus strand): 5'-CTGAGGAGGCAGCCCCTGACCCAGCCGGAGTGGGCCGGGGAGGAGGGGTGGCTGGGCCTC[C>T]TTCAGGGGGAGGAGGGCAGCCTCAGTGGCAGAAGTGTCGCCTGCTGCTTCGAAGTGAAGG-3'
Protein context (NP_001374359.1, residues 268-288): VGRGGGVAGP[Pro278Leu]SGGGGQPQWQ

ClinVar aggregate classification (germline): Uncertain significance (1 of 4 stars; one submission).

Conditions:
SH2B1-related disorder. Also called: SH2B1-related condition.

Submission:

PreventionGenetics, part of Exact Sciences
Classification: Uncertain significance for SH2B1-related condition. Last evaluated: 2025-05-06. Review status: criteria provided, single submitter. Criteria: ACMG Guidelines, 2015. Collection method: clinical testing. Allele origin: germline.
Comment: The SH2B1 c.833C>T variant is predicted to result in the amino acid substitution p.Pro278Leu. To our knowledge, this variant has not been reported in the literature or in a large population database (gnomAD), indicating this variant is rare. At this time, the clinical significance of this variant is uncertain due to the absence of conclusive functional and genetic evidence.